The following is an entry in ClinVar:

ClinVar aggregate classification (germline): Uncertain significance. Review status: criteria provided, multiple submitters, no conflicts (2 of 4 stars). 4 submissions from 4 submitters: Uncertain significance (4). Last evaluated 2026-05-21.

Conditions:
DNAH1-related disorder. Also called: DNAH1-related condition.
Spermatogenic failure 18. Identifiers: MedGen C4539783, MONDO:0054615, OMIM 617576.
Ciliary dyskinesia, primary, 37 (CILD37). Also called: CILIARY DYSKINESIA, PRIMARY, 37, WITH OR WITHOUT SITUS INVERSUS. Identifiers: MedGen C4539798, MONDO:0033204, OMIM 617577.

Allele frequency attached by ClinVar (database versions not stated): gnomAD exomes 0.00004 and 0.00008; ExAC 0.00010; gnomAD 0.00025 and 0.00027; TOPMed 0.00028; 1000 Genomes Project 30x 0.00031; ESP Exome Variant Server 0.00033; 1000 Genomes Project 0.00040.
gnomAD v4.1: 87 of 1,610,120 alleles (0.0054%); highest among the groups gnomAD compares: Middle Eastern, 0.25%; 1 homozygote.

Submissions (4):

PreventionGenetics, part of Exact Sciences
Classification: Uncertain significance for DNAH1-related condition. Last evaluated: 2026-05-21. Review status: criteria provided, single submitter. Criteria: ACMG Guidelines, 2015. Collection method: clinical testing. Allele origin: germline.
Comment: The DNAH1 c.6412G>A variant is predicted to result in the amino acid substitution p.Glu2138Lys. To our knowledge, this variant has not been reported in the literature. This variant is reported in 0.10% of alleles in individuals of African descent in gnomAD. At this time, the clinical significance of this variant is uncertain due to the absence of conclusive functional and genetic evidence.

Labcorp Genetics (formerly Invitae), Labcorp
Classification: Uncertain significance for Ciliary dyskinesia, primary, 37; Spermatogenic failure 18. Last evaluated: 2022-06-19. Review status: criteria provided, single submitter. Criteria: Invitae Variant Classification Sherloc (09022015). Collection method: clinical testing. Allele origin: germline.
Comment: This sequence change replaces glutamic acid, which is acidic and polar, with lysine, which is basic and polar, at codon 2138 of the DNAH1 protein (p.Glu2138Lys). This variant is present in population databases (rs375829118, gnomAD 0.1%). This variant has not been reported in the literature in individuals affected with DNAH1-related conditions. ClinVar contains an entry for this variant (Variation ID: 544613). Algorithms developed to predict the effect of missense changes on protein structure and function are either unavailable or do not agree on the potential impact of this missense change (SIFT: "Deleterious"; PolyPhen-2: "Benign"; Align-GVGD: "Class C55"). In summary, the available evidence is currently insufficient to determine the role of this variant in disease. Therefore, it has been classified as a Variant of Uncertain Significance.

Blueprint Genetics
Classification: Uncertain significance. Last evaluated: 2021-03-05. Review status: criteria provided, single submitter. Criteria: ACMG Guidelines, 2015. Collection method: clinical testing. Allele origin: germline.

Revvity Omics, Revvity
Classification: Uncertain significance. Last evaluated: 2021-01-27. Review status: criteria provided, single submitter. Criteria: ACMG Guidelines, 2015. Collection method: clinical testing. Allele origin: germline.

NM_015512.5(DNAH1):c.6412G>A (p.Glu2138Lys)

Gene: DNAH1 (dynein axonemal heavy chain 1; plus strand). Cytogenetic location: 3p21.1.
Variant type: single nucleotide variant.
Coding change: c.6412G>A on transcript NM_015512.5 (MANE Select); coding-DNA position 6412, G replaced by A.
Protein change: p.Glu2138Lys; replaces glutamic acid 2138 with lysine.
Molecular consequence: missense variant.
Genome position (GRCh38, 1-based): chr3:52,370,630, G>A. VCF-style: chr3-52370630-G-A. GRCh37 (hg19) VCF-style: chr3-52404646-G-A.
Other names: short protein forms E2138K.
Identifiers: ClinVar variation 544613 (VCV000544613.10), dbSNP rs375829118, ClinGen allele CA2434504.